The following is an entry in ClinVar:

NM_020964.3(EPG5):c.2964T>C (p.Cys988=)

Gene: EPG5 (ectopic P-granules 5 autophagy tethering factor; minus strand). Cytogenetic location: 18q21.1.
Variant type: single nucleotide variant.
Coding change: c.2964T>C on transcript NM_020964.3 (MANE Select); coding-DNA position 2964, T replaced by C.
Protein change: p.Cys988=; no amino-acid change (cysteine 988 retained).
Molecular consequence: synonymous variant.
Genome position (GRCh38, 1-based): chr18:45,922,475, A>G on the plus strand (T>C on the coding strand, the complement: EPG5 is on the minus strand). VCF-style: chr18-45922475-A-G. GRCh37 (hg19) VCF-style: chr18-43502441-A-G.
Identifiers: ClinVar variation 789539 (VCV000789539.37), dbSNP rs202213194, ClinGen allele CA8949293.

ClinVar aggregate classification (germline): Likely benign. Review status: criteria provided, multiple submitters, no conflicts (2 of 4 stars). 4 submissions from 4 submitters: Likely benign (4). Last evaluated 2025-12-23.

Conditions:
Vici syndrome (VICIS). Identifiers: Orphanet 1493, MedGen C1855772, MONDO:0009452, OMIM 242840.

Allele frequency attached by ClinVar (database versions not stated): gnomAD 0.00006 and 0.00007; gnomAD exomes 0.00007 and 0.00012; ExAC 0.00008; TOPMed 0.00009; ESP Exome Variant Server 0.00016.
gnomAD v4.1: 124 of 1,614,268 alleles (0.0077%); highest among the groups gnomAD compares: Middle Eastern, 0.54%; no homozygotes.

Submissions (4):

Labcorp Genetics (formerly Invitae), Labcorp
Classification: Likely benign for Vici syndrome. Last evaluated: 2025-12-23. Review status: criteria provided, single submitter. Criteria: Invitae Variant Classification Sherloc (09022015). Collection method: clinical testing. Allele origin: germline.

Blueprint Genetics
Classification: Likely benign. Last evaluated: 2024-09-10. Review status: criteria provided, single submitter. Criteria: ACMG Guidelines, 2015. Collection method: clinical testing. Allele origin: germline.

CeGaT Center for Human Genetics Tuebingen
Classification: Likely benign. Last evaluated: 2023-05-01. Review status: criteria provided, single submitter. Criteria: CeGaT Center For Human Genetics Tuebingen Variant Classification Criteria Version 2. Collection method: clinical testing. Allele origin: germline. Affected: yes. Observed: 1 variant allele.
Comment: EPG5: BP4, BP7

Breakthrough Genomics
Classification: Likely benign. Review status: criteria provided, single submitter. Criteria: ACMG Guidelines, 2015. Collection method: not provided. Allele origin: germline. Inheritance: Autosomal recessive inheritance. Affected: yes.